The following is an entry in ClinVar:

ClinVar aggregate classification (germline): Uncertain significance. Review status: criteria provided, multiple submitters, no conflicts (2 of 4 stars). 9 submissions from 9 submitters: Uncertain significance (8). 1 of the submissions does not count toward it. Last evaluated 2025-12-29.

Conditions:
Familial prostate cancer. Also called: Hereditary Prostate Cancer. Identifiers: MedGen C2931456, MONDO:0700275, OMIM 176807.
Bone osteosarcoma. Also called: Osteosarcoma, somatic. Identifiers: Orphanet 668, MedGen C0585442, MONDO:0002629, OMIM 259500.
CHEK2-related cancer predisposition (TPDS4). Also called: CHEK2-related cancer susceptibility; TUMOR PREDISPOSITION SYNDROME 4; CANCER PREDISPOSITION SYNDROME, CHEK2-RELATED. Identifiers: Orphanet 524, MedGen C5882668, MONDO:0700271, OMIM 609265.
Hereditary cancer-predisposing syndrome. Also called: Hereditary Cancer Syndrome; Tumor predisposition; Neoplastic Syndromes, Hereditary; Hereditary neoplastic syndrome. Identifiers: Orphanet 140162, MedGen C0027672, MeSH D009386, MONDO:0015356.
Familial cancer of breast. Also called: hereditary breast carcinoma; BREAST CANCER, FAMILIAL; Hereditary breast cancer. Identifiers: Orphanet 227535, MedGen C0346153, MONDO:0016419, OMIM 114480. Disease mechanism: loss of function.
Malignant tumor of breast. Also called: Malignant breast neoplasm; Cancer breast. Identifiers: MedGen C0006142, MONDO:0007254. Disease mechanism: loss of function.

Allele frequency attached by ClinVar (database versions not stated): gnomAD exomes 0.00001; TOPMed 0.00001; gnomAD 0.00002.
gnomAD v4.1: 19 of 1,593,756 alleles (0.0012%); highest among the groups gnomAD compares: Non-Finnish European, 0.0016%; no homozygotes.

Submissions (9):

Center for Genomic Medicine, Rigshospitalet, Copenhagen University Hospital
Classification: Uncertain significance. Last evaluated: 2025-12-29. Review status: criteria provided, single submitter. Criteria: ACMG Guidelines, 2015. Collection method: clinical testing. Allele origin: germline.

Labcorp Genetics (formerly Invitae), Labcorp
Classification: Uncertain significance for Familial cancer of breast. Last evaluated: 2025-12-22. Review status: criteria provided, single submitter. Criteria: Invitae Variant Classification Sherloc (09022015). Collection method: clinical testing. Allele origin: germline.
Comment: This sequence change replaces aspartic acid, which is acidic and polar, with glutamic acid, which is acidic and polar, at codon 461 of the CHEK2 protein (p.Asp461Glu). This variant is present in population databases (no rsID available, gnomAD 0.002%). This missense change has been observed in individual(s) with suspected hereditary colorectal cancer (PMID: 33193653). ClinVar contains an entry for this variant (Variation ID: 410033). An algorithm developed to predict the effect of missense changes on protein structure and function (PolyPhen-2) suggests that this variant is likely to be tolerated. Experimental studies have shown that this missense change affects CHEK2 function (PMID: 30851065). In summary, the available evidence is currently insufficient to determine the role of this variant in disease. Therefore, it has been classified as a Variant of Uncertain Significance.

Color Diagnostics, LLC DBA Color Health
Classification: Uncertain significance for Hereditary cancer-predisposing syndrome. Last evaluated: 2025-09-03. Review status: criteria provided, single submitter. Criteria: ACMG Guidelines, 2015. Collection method: clinical testing. Allele origin: germline.
Comment: This missense variant replaces aspartic acid with glutamic acid at codon 461 of the CHEK2 protein. Computational prediction suggests that this variant may not impact protein structure and function. A functional study in yeast has reported that this variant has an intermediate impact on DNA damage repair activity of the CHEK2 protein (PMID 30851065). This variant has been reported in an individual affected with breast cancer in the literature (PMID: 32885271). This variant has been identified in 3/265144 chromosomes in the general population by the Genome Aggregation Database (gnomAD). The available evidence is insufficient to determine the role of this variant in disease conclusively. Therefore, this variant is classified as a Variant of Uncertain Significance.

Fulgent Genetics
Classification: Uncertain significance for Familial prostate cancer; Bone osteosarcoma; CHEK2-related cancer predisposition. Last evaluated: 2024-06-20. Review status: criteria provided, single submitter. Criteria: ACMG Guidelines, 2015. Collection method: clinical testing. Allele origin: germline.

Ambry Genetics
Classification: Uncertain significance for Hereditary cancer-predisposing syndrome. Last evaluated: 2024-04-26. Review status: criteria provided, single submitter. Criteria: Ambry Variant Classification Scheme 2023. Collection method: clinical testing. Allele origin: germline.
Comment: The p.D461E variant (also known as c.1383C>G), located in coding exon 12 of the CHEK2 gene, results from a C to G substitution at nucleotide position 1383. The aspartic acid at codon 461 is replaced by glutamic acid, an amino acid with highly similar properties. This variant has been reported in individuals diagnosed with breast cancer (Decker B et al. J Med Genet, 2017 11;54:732-741; Lerner-Ellis J et al. J Cancer Res Clin Oncol, 2021 Mar;147:871-879), in a cohort of 149 individuals from either families with an accumulation of colorectal cancers or families with only one sporadic case of very early onset colorectal cancer (Djursby M et al. Front Genet, 2020 Sep;11:566266), and in a pediatric patient with precursor T-ALL (Byrjalsen A et al. PLoS Genet, 2020 12;16:e1009231). This alteration behaved as semi-functional in an in vivo, yeast-based growth rate assay (Delimitsou A et al. Hum Mutat, 2019 05;40:631-648). This amino acid position is highly conserved in available vertebrate species. In addition, the in silico prediction for this alteration is inconclusive. Based on the available evidence, the clinical significance of this variant remains unclear.

Baylor Genetics
Classification: Uncertain significance for Familial cancer of breast. Last evaluated: 2024-01-23. Review status: criteria provided, single submitter. Criteria: ACMG Guidelines, 2015. Collection method: clinical testing. Allele origin: unknown.

GeneDx
Classification: Uncertain significance. Last evaluated: 2023-08-25. Review status: criteria provided, single submitter. Criteria: GeneDx Variant Classification Process June 2021. Collection method: clinical testing. Allele origin: germline. Affected: yes.
Comment: Not observed at significant frequency in large population cohorts (gnomAD); In silico analysis supports that this missense variant has a deleterious effect on protein structure/function; Published functional studies demonstrate intermediate growth rate in response to DNA damage (PMID: 30851065); This variant is associated with the following publications: (PMID: 28779002, 33332384, 33193653, 32885271, 30851065, 22419737, 19782031)

Women's Health and Genetics/Laboratory Corporation of America, LabCorp
Classification: Uncertain significance. Last evaluated: 2016-12-22. Review status: criteria provided, single submitter. Criteria: LabCorp Variant Classification Summary - May 2015. Collection method: clinical testing. Allele origin: germline.
Comment: Variant summary: The CHEK2 c.1383C>G (p.Asp461Glu) variant located in the protein kinase-like domain (via InterPro) causes a missense change involving a conserved nucleotide, which 2/4 in silico tools (SNPs&GO not captured due to low reliability index) predict a benign outcome, although these predictions have yet to be functionally assessed. The variant of interest was not observed in controls (ExAC, 1000 Gs, or ESP), nor has it been, to our knowledge, reported in affected individuals via publications and/or reputable databases/clinical diagnostic laboratories. Therefore, until additional information becomes available (ie, clinical and functional studies), the variant of interest has been classified as a "variant of uncertain significance (VUS)."

Department of Pathology and Laboratory Medicine, Sinai Health System
Classification: Uncertain significance for Malignant tumor of breast. Review status: no assertion criteria provided. Collection method: clinical testing. Allele origin: unknown. Affected: yes. Study: The Canadian Open Genetics Repository (COGR). Not counted in ClinVar's aggregate classification.
Comment: The CHEK2 p.Asp461Glu variant was not identified in the literature, nor was it identified in dbSNP, Cosmic, MutDB, or the Zhejiang University Database. The variant was identified in ClinVar (classified as uncertain significance by Invitae, Ambry Genetics, Laboratory Corporation of America). The variant was also identified in control databases in 3 of 260120 chromosomes at a frequency of 0.00001 (Genome Aggregation Database Feb 27, 2017). The variant was observed in the following populations: â€šÃ„ÃºOtherâ€šÃ„Ã¹ in 1 of 6278 chromosomes (freq: 0.0002), and European in 2 of 121992 chromosomes (freq: 0.00002); it was not observed in the African, Latino, Ashkenazi Jewish, East Asian, Finnish, and South Asian populations. The p.Asp461 residue is conserved in mammals but not in more distantly related organisms, however, four out of five computational analyses (PolyPhen-2, SIFT, AlignGVGD, BLOSUM, MutationTaster) do not suggest a high likelihood of impact to the protein; this information is not predictive enough to rule out pathogenicity. The variant occurs outside of the splicing consensus sequence and 1 of 5 in silico or computational prediction software programs (SpliceSiteFinder, MaxEntScan, NNSPLICE, GeneSplicer, HumanSpliceFinder) predict a greater than 10% difference in splicing; this is not very predictive of pathogenicity. In summary, based on the above information, the clinical significance of this variant cannot be determined with certainty at this time. This variant is classified as a variant of uncertain significance.

Literature cited by the submitters: PubMed 33193653 (cited by 3 submitters); PubMed 28779002 (cited by Center for Genomic Medicine, Rigshospitalet, Copenhagen University Hospital and Ambry Genetics); PubMed 30851065 (cited by 4 submitters); PubMed 32885271 (cited by Color Diagnostics, LLC DBA Color Health and Ambry Genetics); PubMed 33332384 (cited by Ambry Genetics).

NM_007194.4(CHEK2):c.1383C>G (p.Asp461Glu)

Gene: CHEK2 (checkpoint kinase 2; minus strand). Cytogenetic location: 22q12.1.
Variant type: single nucleotide variant.
Coding change: c.1383C>G on transcript NM_007194.4 (MANE Select); coding-DNA position 1383, C replaced by G.
Protein change: p.Asp461Glu; replaces aspartic acid 461 with glutamic acid.
Molecular consequence: missense variant.
Genome position (GRCh38, 1-based): chr22:28,694,110, G>C on the plus strand (C>G on the coding strand, the complement: CHEK2 is on the minus strand). VCF-style: chr22-28694110-G-C. GRCh37 (hg19) VCF-style: chr22-29090098-G-C.
Other names: c.1512C>G, p.Asp504Glu (NM_001005735.3); c.720C>G, p.Asp240Glu (NM_001257387.3); c.1182C>G, p.Asp394Glu (NM_001349956.3); c.1296C>G, p.Asp432Glu (NM_145862.3); short protein forms D461E, D240E, D504E, D394E, D432E.
Identifiers: ClinVar variation 410033 (VCV000410033.31), dbSNP rs1060502702, ClinGen allele CA16616575.